The following is an entry in ClinVar:

ClinVar aggregate classification (germline): Uncertain significance (1 of 4 stars; one submission).

Conditions:
Myeloproliferative neoplasm. Identifiers: Orphanet 98274, MedGen C1292778, MONDO:0020076.

Submission:

Dept of Medical Biology, Uskudar University
Classification: Uncertain significance for Myeloproliferative neoplasm. Last evaluated: 2026-09-23. Review status: criteria provided, single submitter. Criteria: Dept of Medical Biology Variant Classification. Collection method: research. Allele origin: unknown. Affected: yes. Observed: 1 variant allele.
Comment: PM2_supporting: absent from gnomAD v4.1. BP4: computational evidence suggests no impact (SIFT 0.06 tolerated; PolyPhen-2 0.231 benign). Classified as uncertain significance under the ACMG/AMP 2015 guidelines (PMID:25741868). Detected in a retrospective series of 256 BCR::ABL1-negative and JAK2 V617F-negative patients referred for molecular investigation of a suspected myeloproliferative neoplasm (May 2007 to January 2015) and re-interpreted under the ACMG/AMP 2015 criteria.

NM_004972.4(JAK2):c.1394G>A (p.Ser465Asn)

Genes: INSL6 (insulin like 6; minus strand), JAK2 (Janus kinase 2; plus strand). Cytogenetic location: 9p24.1.
Variant type: single nucleotide variant.
Coding change: c.1394G>A on transcript NM_004972.4 (MANE Select); coding-DNA position 1394, G replaced by A.
Protein change: p.Ser465Asn; replaces serine 465 with asparagine.
Molecular consequence: missense variant. On other transcripts: non-coding transcript variant (2).
Genome position (GRCh38, 1-based): chr9:5,069,089, G>A. VCF-style: chr9-5069089-G-A. GRCh37 (hg19) VCF-style: chr9-5069089-G-A.
Other names: c.1394G>A, p.Ser465Asn (NM_001322194.2, NM_001322195.2, NM_001322196.2); c.179G>A, p.Ser60Asn (NM_001322198.2, NM_001322199.2); c.947G>A, p.Ser316Asn (NM_001322204.2); short protein forms S316N, S465N, S60N.
Identifiers: ClinVar variation 5036690 (VCV005036690.1).